The following is an entry in ClinVar:

NM_015272.5(RPGRIP1L):c.1273A>G (p.Arg425Gly)

Gene: RPGRIP1L (RPGRIP1 like; minus strand). Cytogenetic location: 16q12.2.
Variant type: single nucleotide variant.
Coding change: c.1273A>G on transcript NM_015272.5 (MANE Select); coding-DNA position 1273, A replaced by G.
Protein change: p.Arg425Gly; replaces arginine 425 with glycine.
Molecular consequence: missense variant.
Genome position (GRCh38, 1-based): chr16:53,658,849, T>C on the plus strand (A>G on the coding strand, the complement: RPGRIP1L is on the minus strand). VCF-style: chr16-53658849-T-C. GRCh37 (hg19) VCF-style: chr16-53692761-T-C.
Other names: c.1273A>G (NM_015272.4); c.1273A>G, p.Arg425Gly (NM_001127897.4, NM_001308334.3, NM_001330538.2); short protein forms R425G.
Identifiers: ClinVar variation 4156450 (VCV004156450.2).
Genomic context (GRCh38, chr16:53,658,849, plus strand): 5'-TGCGTTTTTTAAGTTCATCAAGTTGTTGCTTTTGTTCCAGATACTGTAACTGTAGTTCTC[T>C]ATTCTCTTGAACGAGTTTTTCATTTTGATCTTAAAAATAAAGTCCACACAATTGGAAAGG-3'
Protein context (NP_056087.2, residues 415-435): DQNEKLVQEN[Arg425Gly]ELQLQYLEQK

ClinVar aggregate classification (germline): Uncertain significance. Review status: criteria provided, multiple submitters, no conflicts (2 of 4 stars). 2 submissions from 2 submitters: Uncertain significance (2). Last evaluated 2025-08-04.

Conditions:
RPGRIP1L-related disorder. Also called: RPGRIP1L-related condition; RPGRIP1L-related disorders. Identifiers: MedGen CN239416.
Inborn genetic diseases. Identifiers: MedGen C0950123, MeSH D030342.

gnomAD v4.1: 4 of 1,606,094 alleles (0.00025%); highest among the groups gnomAD compares: East Asian, 0.0022%; no homozygotes.

Submissions (2):

Ambry Genetics
Classification: Uncertain significance for Inborn genetic diseases. Last evaluated: 2025-08-04. Review status: criteria provided, single submitter. Criteria: Ambry Variant Classification Scheme 2023. Collection method: clinical testing. Allele origin: germline.

PreventionGenetics, part of Exact Sciences
Classification: Uncertain significance for RPGRIP1L-related condition. Last evaluated: 2025-03-07. Review status: criteria provided, single submitter. Criteria: ACMG Guidelines, 2015. Collection method: clinical testing. Allele origin: germline.
Comment: The RPGRIP1L c.1273A>G variant is predicted to result in the amino acid substitution p.Arg425Gly. To our knowledge, this variant has not been reported in the literature. This variant is reported in 0.00092% of alleles in individuals of European (Non-Finnish) descent in gnomAD. At this time, the clinical significance of this variant is uncertain due to the absence of conclusive functional and genetic evidence.